The following is an entry in ClinVar:

NM_000391.4(TPP1):c.688-43C>T

Gene: TPP1 (tripeptidyl peptidase 1; minus strand). Cytogenetic location: 11p15.4.
Variant type: single nucleotide variant.
Coding change: c.688-43C>T on transcript NM_000391.4 (MANE Select); 43 bases into the intron before coding-DNA position 688, C replaced by T.
Molecular consequence: intron variant.
Genome position (GRCh38, 1-based): chr11:6,616,902, G>A on the plus strand (C>T on the coding strand, the complement: TPP1 is on the minus strand). VCF-style: chr11-6616902-G-A. GRCh37 (hg19) VCF-style: chr11-6638133-G-A.
Identifiers: ClinVar variation 674332 (VCV000674332.1), dbSNP rs144354350, ClinGen allele CA5858866.

ClinVar aggregate classification (germline): Likely benign (1 of 4 stars; one submission).

Allele frequency attached by ClinVar (database versions not stated): gnomAD exomes 0.00034 and 0.00083; ExAC 0.00094; 1000 Genomes Project 30x 0.00156; 1000 Genomes Project 0.00160; gnomAD 0.00335 and 0.00372; TOPMed 0.00384; ESP Exome Variant Server 0.00408.

Submission:

GeneDx
Classification: Likely benign. Last evaluated: 2018-06-19. Review status: criteria provided, single submitter. Criteria: GeneDx Variant Classification (06012015). Collection method: clinical testing. Allele origin: germline. Affected: yes.
Comment: This variant is considered likely benign or benign based on one or more of the following criteria: it is a conservative change, it occurs at a poorly conserved position in the protein, it is predicted to be benign by multiple in silico algorithms, and/or has population frequency not consistent with disease.